The following is an entry in ClinVar:

ClinVar aggregate classification (germline): Uncertain significance (1 of 4 stars; one submission).

Conditions:
Acyl-CoA oxidase deficiency. Also called: Peroxisomal acyl-CoA oxidase deficiency; STRAIGHT-CHAIN ACYL-CoA OXIDASE DEFICIENCY; Pseudoneonatal adrenoleukodystrophy. Identifiers: Orphanet 2971, MedGen C1849678, MONDO:0009919, OMIM 264470. Disease mechanism: loss of function.

Allele frequency attached by ClinVar (database versions not stated): ExAC 0.00001; gnomAD 0.00001 and 0.00002; gnomAD exomes 0.00001; TOPMed 0.00001.

Submission:

Labcorp Genetics (formerly Invitae), Labcorp
Classification: Uncertain significance for Acyl-CoA oxidase deficiency. Last evaluated: 2025-04-02. Review status: criteria provided, single submitter. Criteria: Invitae Variant Classification Sherloc (09022015). Collection method: clinical testing. Allele origin: germline.
Comment: This sequence change replaces glutamic acid, which is acidic and polar, with lysine, which is basic and polar, at codon 481 of the ACOX1 protein (p.Glu481Lys). This variant is present in population databases (rs780812320, gnomAD 0.004%). This variant has not been reported in the literature in individuals affected with ACOX1-related conditions. ClinVar contains an entry for this variant (Variation ID: 856223). Invitae Evidence Modeling of protein sequence and biophysical properties (such as structural, functional, and spatial information, amino acid conservation, physicochemical variation, residue mobility, and thermodynamic stability) indicates that this missense variant is not expected to disrupt ACOX1 protein function with a negative predictive value of 80%. In summary, the available evidence is currently insufficient to determine the role of this variant in disease. Therefore, it has been classified as a Variant of Uncertain Significance.

NM_004035.7(ACOX1):c.1441G>A (p.Glu481Lys)

Gene: ACOX1 (acyl-CoA oxidase 1; minus strand). Cytogenetic location: 17q25.1.
Variant type: single nucleotide variant.
Coding change: c.1441G>A on transcript NM_004035.7 (MANE Select); coding-DNA position 1441, G replaced by A.
Protein change: p.Glu481Lys; replaces glutamic acid 481 with lysine.
Molecular consequence: missense variant.
Genome position (GRCh38, 1-based): chr17:75,949,755, C>T on the plus strand (G>A on the coding strand, the complement: ACOX1 is on the minus strand). VCF-style: chr17-75949755-C-T. GRCh37 (hg19) VCF-style: chr17-73945836-C-T.
Other names: c.1327G>A, p.Glu443Lys (NM_001185039.2); c.1441G>A, p.Glu481Lys (NM_007292.6); short protein forms E481K, E443K.
Identifiers: ClinVar variation 856223 (VCV000856223.4), dbSNP rs780812320, ClinGen allele CA8776774.